The following is an entry in ClinVar:

NM_177438.3(DICER1):c.4313A>C (p.Tyr1438Ser)

Gene: DICER1 (dicer 1, ribonuclease III; minus strand). Cytogenetic location: 14q32.13.
Variant type: single nucleotide variant.
Coding change: c.4313A>C on transcript NM_177438.3 (MANE Select); coding-DNA position 4313, A replaced by C.
Protein change: p.Tyr1438Ser; replaces tyrosine 1438 with serine.
Molecular consequence: missense variant.
Genome position (GRCh38, 1-based): chr14:95,096,607, T>G on the plus strand (A>C on the coding strand, the complement: DICER1 is on the minus strand). VCF-style: chr14-95096607-T-G. GRCh37 (hg19) VCF-style: chr14-95562944-T-G.
Other names: c.4313A>C, p.Tyr1438Ser (NM_001195573.1, NM_001271282.3, NM_001291628.2 and 1 more transcripts); short protein forms Y1438S.
Identifiers: ClinVar variation 966537 (VCV000966537.7), dbSNP rs1202589148, ClinGen allele CA390869394.
Genomic context (GRCh38, chr14:95,096,607, plus strand): 5'-ATTAACATATTATCTATAAATCTGATATGTTCCTGATCATACTCCAGGAAATCATCTTCA[T>G]AGTCAGCCTCTTCCTTCGGAGCCCTCCACATCAGGCTCTCCTCCTCCTCATCCTCCTCCT-3'
Protein context (NP_803187.1, residues 1428-1448): MWRAPKEEAD[Tyr1438Ser]EDDFLEYDQE

ClinVar aggregate classification (germline): Uncertain significance (1 of 4 stars; one submission).

Conditions:
DICER1-related tumor predisposition. Also called: DICER1-related pleuropulmonary blastoma cancer predisposition syndrome; DICER1 syndrome. Identifiers: Orphanet 284343, MedGen C3839822, MONDO:0100216.

gnomAD v4.1: 3 of 1,611,902 alleles (0.00019%); highest among the groups gnomAD compares: East Asian, 0.0067%; no homozygotes.

Submission:

Labcorp Genetics (formerly Invitae), Labcorp
Classification: Uncertain significance for DICER1-related tumor predisposition. Last evaluated: 2024-07-22. Review status: criteria provided, single submitter. Criteria: Invitae Variant Classification Sherloc (09022015). Collection method: clinical testing. Allele origin: germline.
Comment: This sequence change replaces tyrosine, which is neutral and polar, with serine, which is neutral and polar, at codon 1438 of the DICER1 protein (p.Tyr1438Ser). This variant is not present in population databases (gnomAD no frequency). This variant has not been reported in the literature in individuals affected with DICER1-related conditions. ClinVar contains an entry for this variant (Variation ID: 966537). An algorithm developed to predict the effect of missense changes on protein structure and function (PolyPhen-2) suggests that this variant is likely to be tolerated. In summary, the available evidence is currently insufficient to determine the role of this variant in disease. Therefore, it has been classified as a Variant of Uncertain Significance.